The following is an entry in ClinVar:

ClinVar aggregate classification (germline): Uncertain significance (1 of 4 stars; one submission).

gnomAD v4.1: 1 of 1,534,378 alleles (0.000065%); highest among the groups gnomAD compares: African/African-American, 0.0014%; no homozygotes.

Submission:

GeneDx
Classification: Uncertain significance. Last evaluated: 2023-12-22. Review status: criteria provided, single submitter. Criteria: GeneDx Variant Classification Process June 2021. Collection method: clinical testing. Allele origin: germline. Affected: yes.
Comment: Not observed at significant frequency in large population cohorts (gnomAD); In silico analysis supports that this missense variant does not alter protein structure/function; Has not been previously published as pathogenic or benign to our knowledge

NM_021098.3(CACNA1H):c.6598G>A (p.Asp2200Asn)

Gene: CACNA1H (calcium voltage-gated channel subunit alpha1 H; plus strand). Cytogenetic location: 16p13.3.
Variant type: single nucleotide variant.
Coding change: c.6598G>A on transcript NM_021098.3 (MANE Select); coding-DNA position 6598, G replaced by A.
Protein change: p.Asp2200Asn; replaces aspartic acid 2200 with asparagine.
Molecular consequence: missense variant.
Genome position (GRCh38, 1-based): chr16:1,220,530, G>A. VCF-style: chr16-1220530-G-A. GRCh37 (hg19) VCF-style: chr16-1270530-G-A.
Other names: c.6580G>A, p.Asp2194Asn (NM_001005407.2); short protein forms D2194N, D2200N.
Identifiers: ClinVar variation 3365830 (VCV003365830.1).